The following is an entry in ClinVar:

ClinVar aggregate classification (germline): Benign (1 of 4 stars; one submission).

Conditions:
Pyridoxine-dependent epilepsy (EPEO4). Also called: Pyridoxine-Dependent Epilepsy - ALDH7A1; PYRIDOXINE DEPENDENCY WITH SEIZURES; EPILEPSY, EARLY-ONSET, 4, VITAMIN B6-DEPENDENT; Pyridoxine-Dependent Seizures. Identifiers: Orphanet 3006, MedGen C1849508, MONDO:0009945, OMIM 266100. Disease mechanism: loss of function.

Allele frequency attached by ClinVar (database versions not stated): 1000 Genomes Project 0.01378; gnomAD 0.01210 and 0.01123; 1000 Genomes Project 30x 0.01452; TOPMed 0.01279.

Submission:

Illumina Laboratory Services, Illumina
Classification: Benign for Pyridoxine-dependent epilepsy. Last evaluated: 2018-01-13. Review status: criteria provided, single submitter. Criteria: ICSL Variant Classification Criteria 13 December 2019. Collection method: clinical testing. Allele origin: germline.
Comment: This variant was observed in the ICSL laboratory as part of a predisposition screen in an ostensibly healthy population. It had not been previously curated by ICSL or reported in the Human Gene Mutation Database (HGMD: prior to June 1st, 2018), and was therefore a candidate for classification through an automated scoring system. Utilizing variant allele frequency, disease prevalence and penetrance estimates, and inheritance mode, an automated score was calculated to assess if this variant is too frequent to cause the disease. Based on the score and internal cut-off values, a variant classified as benign is not then subjected to further curation. The score for this variant resulted in a classification of benign for this disease.

NM_001182.5(ALDH7A1):c.*1368A>T

Gene: ALDH7A1 (aldehyde dehydrogenase 7 family member A1; minus strand). Cytogenetic location: 5q23.2.
Variant type: single nucleotide variant.
Coding change: c.*1368A>T on transcript NM_001182.5 (MANE Select); 1368 bases downstream of the stop codon, A replaced by T.
Molecular consequence: 3 prime UTR variant.
Genome position (GRCh38, 1-based): chr5:126,543,597, T>A on the plus strand (A>T on the coding strand, the complement: ALDH7A1 is on the minus strand). VCF-style: chr5-126543597-T-A. GRCh37 (hg19) VCF-style: chr5-125879289-T-A.
Other names: c.*1368A>T (NM_001201377.2, NM_001202404.2).
Identifiers: ClinVar variation 350556 (VCV000350556.5), dbSNP rs115645125, ClinGen allele CA10618862.